The following is an entry in ClinVar:

NM_001171613.2(PREPL):c.1798A>C (p.Asn600His)

Genes: PREPL (prolyl endopeptidase like; minus strand), SLC3A1 (solute carrier family 3 member 1; plus strand). Cytogenetic location: 2p21.
Variant type: single nucleotide variant.
Coding change: c.1798A>C on transcript NM_001171613.2 (MANE Select); coding-DNA position 1798, A replaced by C.
Protein change: p.Asn600His; replaces asparagine 600 with histidine.
Molecular consequence: missense variant.
Genome position (GRCh38, 1-based): chr2:44,321,856, T>G on the plus strand (A>C on the coding strand, the complement: PREPL is on the minus strand). VCF-style: chr2-44321856-T-G. GRCh37 (hg19) VCF-style: chr2-44548995-T-G.
Other names: c.1879A>C, p.Asn627His (NM_001042385.2); c.1867A>C, p.Asn623His (NM_001042386.2); c.2065A>C, p.Asn689His (NM_001171603.1, NM_001171606.2, NM_001374275.1 and 2 more transcripts); c.1798A>C, p.Asn600His (NM_001171617.1, NM_001374277.1); short protein forms N600H, N623H, N689H, N627H.
Identifiers: ClinVar variation 1413964 (VCV001413964.8), dbSNP rs770897811, ClinGen allele CA1640945.

ClinVar aggregate classification (germline): Uncertain significance (1 of 4 stars; one submission).

Conditions:
Myasthenic syndrome, congenital, 22 (CMS22). Also called: PREPL DEFICIENCY. Identifiers: MedGen C4479088, MONDO:0044299, OMIM 616224.

Allele frequency attached by ClinVar (database versions not stated): gnomAD exomes below 0.00001 and 0.00001; ExAC 0.00001.
gnomAD v4.1: 3 of 1,613,764 alleles (0.00019%); highest among the groups gnomAD compares: East Asian, 0.0067%; no homozygotes.

Submission:

Labcorp Genetics (formerly Invitae), Labcorp
Classification: Uncertain significance for Myasthenic syndrome, congenital, 22. Last evaluated: 2020-11-15. Review status: criteria provided, single submitter. Criteria: Invitae Variant Classification Sherloc (09022015). Collection method: clinical testing. Allele origin: germline.
Comment: This variant has not been reported in the literature in individuals with PREPL-related conditions. Algorithms developed to predict the effect of missense changes on protein structure and function are either unavailable or do not agree on the potential impact of this missense change (SIFT: "Deleterious"; PolyPhen-2: "Possibly Damaging"; Align-GVGD: "Class C15"). In summary, the available evidence is currently insufficient to determine the role of this variant in disease. Therefore, it has been classified as a Variant of Uncertain Significance. This variant is present in population databases (rs770897811, ExAC 0.01%). This sequence change replaces asparagine with histidine at codon 689 of the PREPL protein (p.Asn689His). The asparagine residue is moderately conserved and there is a small physicochemical difference between asparagine and histidine.